The following is an entry in ClinVar:

ClinVar aggregate classification (germline): Likely pathogenic (1 of 4 stars; one submission).

Submission:

Labcorp Genetics (formerly Invitae), Labcorp
Classification: Likely pathogenic. Last evaluated: 2023-03-12. Review status: criteria provided, single submitter. Criteria: Invitae Variant Classification Sherloc (09022015). Collection method: clinical testing. Allele origin: germline.
Comment: In summary, the currently available evidence indicates that the variant is pathogenic, but additional data are needed to prove that conclusively. Therefore, this variant has been classified as Likely Pathogenic. Algorithms developed to predict the effect of sequence changes on RNA splicing suggest that this variant may disrupt the consensus splice site. This variant has not been reported in the literature in individuals affected with PCNT-related conditions. This variant is not present in population databases (gnomAD no frequency). This sequence change affects a donor splice site in intron 37 of the PCNT gene. It is expected to disrupt RNA splicing. Variants that disrupt the donor or acceptor splice site typically lead to a loss of protein function (PMID: 16199547), and loss-of-function variants in PCNT are known to be pathogenic (PMID: 18174396, 22821869).

Literature cited by the submitters: PubMed 16199547; PubMed 18174396; PubMed 22821869.

NM_006031.6(PCNT):c.8064+1G>A

Gene: PCNT (pericentrin; plus strand). Cytogenetic location: 21q22.3.
Variant type: single nucleotide variant.
Coding change: c.8064+1G>A on transcript NM_006031.6 (MANE Select); the canonical splice donor site of the intron after coding-DNA position 8064, G replaced by A.
Molecular consequence: splice donor variant.
Genome position (GRCh38, 1-based): chr21:46,430,658, G>A. VCF-style: chr21-46430658-G-A. GRCh37 (hg19) VCF-style: chr21-47850572-G-A.
Other names: c.7710+1G>A (NM_001315529.2).
Identifiers: ClinVar variation 2830161 (VCV002830161.3), dbSNP rs2518995993, ClinGen allele CA410572391.